The following is an entry in ClinVar:

NM_001377299.1(NDUFS2):c.736C>A (p.Gln246Lys)

Gene: NDUFS2 (NADH:ubiquinone oxidoreductase core subunit S2; plus strand). Cytogenetic location: 1q23.3.
Variant type: single nucleotide variant.
Coding change: c.736C>A on transcript NM_001377299.1 (MANE Select); coding-DNA position 736, C replaced by A.
Protein change: p.Gln246Lys; replaces glutamine 246 with lysine.
Molecular consequence: missense variant. On other transcripts: non-coding transcript variant (1).
Genome position (GRCh38, 1-based): chr1:161,210,144, C>A. VCF-style: chr1-161210144-C-A. GRCh37 (hg19) VCF-style: chr1-161179934-C-A.
Other names: c.736C>A, p.Gln246Lys (NM_001166159.2, NM_001377298.1, NM_001377300.1 and 3 more transcripts); short protein forms Q246K.
Identifiers: ClinVar variation 235676 (VCV000235676.3), dbSNP rs878853093, ClinGen allele CA10581398.

ClinVar aggregate classification (germline): Uncertain significance (1 of 4 stars; one submission).

Submission:

Center for Pediatric Genomic Medicine, Children's Mercy Hospital and Clinics
Classification: Uncertain significance. Last evaluated: 2016-04-18. Review status: criteria provided, single submitter. Criteria: ACMG Guidelines, 2015. Collection method: clinical testing. Allele origin: germline.
ClinVar note: Converted during submission from Uncertain Significance to Uncertain significance.